The following is an entry in ClinVar:

NM_001077350.3(NPRL3):c.1480G>T (p.Glu494Ter)

Genes: HBA-LCR (alpha-globin locus control region; plus strand), NPRL3 (NPR3 like, GATOR1 complex subunit; minus strand). Cytogenetic location: 16p13.3.
Variant type: single nucleotide variant.
Coding change: c.1480G>T on transcript NM_001077350.3 (MANE Select); coding-DNA position 1480, G replaced by T.
Protein change: p.Glu494Ter; replaces glutamic acid 494 with a stop codon.
Molecular consequence: nonsense.
Genome position (GRCh38, 1-based): chr16:88,762, C>A on the plus strand (G>T on the coding strand, the complement: NPRL3 is on the minus strand). VCF-style: chr16-88762-C-A. GRCh37 (hg19) VCF-style: chr16-138761-C-A.
Other names: c.943G>T, p.Glu315Ter (NM_001039476.3); c.1246G>T, p.Glu416Ter (NM_001243247.2); c.1405G>T, p.Glu469Ter (NM_001243248.2, NM_001243249.2); short protein forms E416*, E494*, E315*, E469*.
Identifiers: ClinVar variation 1452513 (VCV001452513.6), dbSNP rs2141899833, ClinGen allele CA394048596.

ClinVar aggregate classification (germline): Pathogenic (1 of 4 stars; one submission).

Conditions:
Epilepsy, familial focal, with variable foci 3 (FFEVF3). Identifiers: MedGen C4310708, MONDO:0014925, OMIM 617118.

Submission:

Labcorp Genetics (formerly Invitae), Labcorp
Classification: Pathogenic for Epilepsy, familial focal, with variable foci 3. Last evaluated: 2022-08-09. Review status: criteria provided, single submitter. Criteria: Invitae Variant Classification Sherloc (09022015). Collection method: clinical testing. Allele origin: germline.
Comment: This variant is not present in population databases (gnomAD no frequency). For these reasons, this variant has been classified as Pathogenic. ClinVar contains an entry for this variant (Variation ID: 1452513). This variant has not been reported in the literature in individuals affected with NPRL3-related conditions. This sequence change creates a premature translational stop signal (p.Glu494*) in the NPRL3 gene. It is expected to result in an absent or disrupted protein product. Loss-of-function variants in NPRL3 are known to be pathogenic (PMID: 26285051, 26505888).

Literature cited by the submitters: PubMed 26285051; PubMed 26505888.